The following is an entry in ClinVar:

ClinVar aggregate classification (germline): Pathogenic (1 of 4 stars; one submission).

Submission:

Quest Diagnostics Nichols Institute San Juan Capistrano
Classification: Pathogenic. Last evaluated: 2022-09-07. Review status: criteria provided, single submitter. Criteria: ACMG/ClinGen CNV Guidelines, 2019. Collection method: clinical testing. Allele origin: unknown.
Comment: The copy number loss of 1q31.2q32.1 involves multiple protein-coding genes. Haploinsufficiency of CDC73 is associated with various hyperparathyroidisms (OMIM 145001, OMIM 145000, OMIM 14500, Rubinstein 2017, Van der Tuin 2017). There was a single report of a patient with a deletion of 1q31 that was inherited from their unaffected father (Hatabu 2019). There are no similar copy number losses of this region in the general populations of the Database of Genomic Variants. Thus, based on current medical literature and gene content, this copy number variant (CNV) is classified as pathogenic. References: Hatabu et al., Horm Res Paediatr. 2019;92(1):56-63. PMID: 30739106 Rubinstein et al., J Endocr Soc. 2017 May 25;1(7):926-930. PMID: 29264543 Van der Tuin et al., J Clin Endocrinol Metab. 2017 Dec 1;102(12):4534-4540. PMID:29040582

GRCh37/hg19 1q31.2-32.1(chr1:193011753-199882947)x1

Genes: F13B (coagulation factor XIII B chain; minus strand), GLRX2 (glutaredoxin 2; minus strand), KCNT2 (potassium sodium-activated channel subfamily T member 2; minus strand), LHX9 (LIM homeobox 9; plus strand), ASPM (assembly factor for spindle microtubules; minus strand) and 19 more. Cytogenetic location: 1q31.2-32.1.
Variant type: copy number loss.
Change: copy number 1 (one copy instead of two) of chr1:193,011,753-199,882,947 (6.87 Mb, GRCh37 coordinates, 1-based), cytogenetic band 1q31.2-32.1.
Identifiers: ClinVar variation 1808698 (VCV001808698.2).